The following is an entry in ClinVar:

NM_173477.5(USH1G):c.84C>T (p.Pro28=)

Gene: USH1G (USH1 protein network component sans; minus strand). Cytogenetic location: 17q25.1.
Variant type: single nucleotide variant.
Coding change: c.84C>T on transcript NM_173477.5 (MANE Select); coding-DNA position 84, C replaced by T.
Protein change: p.Pro28=; no amino-acid change (proline 28 retained).
Molecular consequence: synonymous variant. On other transcripts: 5 prime UTR variant (1).
Genome position (GRCh38, 1-based): chr17:74,922,990, G>A on the plus strand (C>T on the coding strand, the complement: USH1G is on the minus strand). VCF-style: chr17-74922990-G-A. GRCh37 (hg19) VCF-style: chr17-72919085-G-A.
Other names: c.-173C>T (NM_001282489.3).
Identifiers: ClinVar variation 48140 (VCV000048140.5), dbSNP rs397517929, ClinGen allele CA142672.

ClinVar aggregate classification (germline): Likely benign (1 of 4 stars; one submission).

gnomAD v4.1: 1 of 1,565,928 alleles (0.000064%); highest among the groups gnomAD compares: Non-Finnish European, 0.000087%; no homozygotes.

Submission:

Laboratory for Molecular Medicine, Mass General Brigham Personalized Medicine
Classification: Likely benign. Last evaluated: 2010-09-03. Review status: criteria provided, single submitter. Criteria: LMM Criteria. Collection method: clinical testing. Allele origin: germline. Observed: 1 variant allele.
Comment: Pro28Pro in exon 1 of USH1G: This variant is not expected to have clinical signi ficance because it does not alter an amino acid residue and is not located near a splice junction.